The following is an entry in ClinVar:

ClinVar aggregate classification (germline): Uncertain significance (1 of 4 stars; one submission).

Allele frequency attached by ClinVar (database versions not stated): gnomAD exomes below 0.00001; ExAC 0.00001.
gnomAD v4.1: 1 of 1,613,950 alleles (0.000062%); highest among the groups gnomAD compares: South Asian, 0.0011%; no homozygotes.

Submission:

Labcorp Genetics (formerly Invitae), Labcorp
Classification: Uncertain significance. Last evaluated: 2022-09-02. Review status: criteria provided, single submitter. Criteria: Invitae Variant Classification Sherloc (09022015). Collection method: clinical testing. Allele origin: germline.
Comment: Algorithms developed to predict the effect of missense changes on protein structure and function are either unavailable or do not agree on the potential impact of this missense change (SIFT: "Tolerated"; PolyPhen-2: "Possibly Damaging"; Align-GVGD: "Class C0"). In summary, the available evidence is currently insufficient to determine the role of this variant in disease. Therefore, it has been classified as a Variant of Uncertain Significance. This variant has not been reported in the literature in individuals affected with TRRAP-related conditions. This variant is present in population databases (rs782008519, gnomAD 0.003%). This sequence change replaces glutamine, which is neutral and polar, with histidine, which is basic and polar, at codon 574 of the TRRAP protein (p.Gln574His).

NM_001375524.1(TRRAP):c.1722G>C (p.Gln574His)

Gene: TRRAP (transformation/transcription domain associated protein; plus strand). Cytogenetic location: 7q22.1.
Variant type: single nucleotide variant.
Coding change: c.1722G>C on transcript NM_001375524.1 (MANE Select); coding-DNA position 1722, G replaced by C.
Protein change: p.Gln574His; replaces glutamine 574 with histidine.
Molecular consequence: missense variant.
Genome position (GRCh38, 1-based): chr7:98,910,517, G>C. VCF-style: chr7-98910517-G-C. GRCh37 (hg19) VCF-style: chr7-98508140-G-C.
Other names: c.1722G>C, p.Gln574His (NM_001244580.2, NM_003496.4); short protein forms Q574H.
Identifiers: ClinVar variation 2186885 (VCV002186885.4), dbSNP rs782008519, ClinGen allele CA4359610.